The following is an entry in ClinVar:

ClinVar aggregate classification (germline): Uncertain significance. Review status: criteria provided, multiple submitters, no conflicts (2 of 4 stars). 2 submissions from 2 submitters: Uncertain significance (2). Last evaluated 2024-06-11.

Allele frequency attached by ClinVar (database versions not stated): gnomAD exomes 0.00001; gnomAD 0.00002; TOPMed 0.00003; ExAC 0.00004.
gnomAD v4.1: 6 of 1,552,006 alleles (0.00039%); highest among the groups gnomAD compares: African/African-American, 0.0055%; no homozygotes.

Submissions (2):

Labcorp Genetics (formerly Invitae), Labcorp
Classification: Uncertain significance. Last evaluated: 2024-06-11. Review status: criteria provided, single submitter. Criteria: Invitae Variant Classification Sherloc (09022015). Collection method: clinical testing. Allele origin: germline.
Comment: This sequence change replaces valine, which is neutral and non-polar, with isoleucine, which is neutral and non-polar, at codon 453 of the DTHD1 protein (p.Val453Ile). This variant is present in population databases (rs756754406, gnomAD 0.002%). This variant has not been reported in the literature in individuals affected with DTHD1-related conditions. ClinVar contains an entry for this variant (Variation ID: 2265063). Algorithms developed to predict the effect of missense changes on protein structure and function output the following: SIFT: "Not Available"; PolyPhen-2: "Benign"; Align-GVGD: "Not Available". The isoleucine amino acid residue is found in multiple mammalian species, which suggests that this missense change does not adversely affect protein function. In summary, the available evidence is currently insufficient to determine the role of this variant in disease. Therefore, it has been classified as a Variant of Uncertain Significance.

Ambry Genetics
Classification: Uncertain significance. Last evaluated: 2021-12-06. Review status: criteria provided, single submitter. Criteria: Ambry Variant Classification Scheme 2023. Collection method: clinical testing. Allele origin: germline.

NM_001170700.3(DTHD1):c.2227G>A (p.Val743Ile)

Gene: DTHD1 (death domain containing 1; plus strand). Cytogenetic location: 4p14.
Variant type: single nucleotide variant.
Coding change: c.2227G>A on transcript NM_001170700.3 (MANE Select); coding-DNA position 2227, G replaced by A.
Protein change: p.Val743Ile; replaces valine 743 with isoleucine.
Molecular consequence: missense variant. On other transcripts: non-coding transcript variant (2).
Genome position (GRCh38, 1-based): chr4:36,316,373, G>A. VCF-style: chr4-36316373-G-A. GRCh37 (hg19) VCF-style: chr4-36317995-G-A.
Other names: c.1357G>A, p.Val453Ile (NM_001136536.5); c.1294G>A, p.Val432Ile (NM_001378435.1); short protein forms V453I, V432I, V743I.
Identifiers: ClinVar variation 2265063 (VCV002265063.4), dbSNP rs756754406, ClinGen allele CA2885721.